The following is an entry in ClinVar:

NM_012418.4(FSCN2):c.1339G>C (p.Glu447Gln)

Gene: FSCN2 (fascin actin-bundling protein 2, retinal; plus strand). Cytogenetic location: 17q25.3.
Variant type: single nucleotide variant.
Coding change: c.1339G>C on transcript NM_012418.4 (MANE Select); coding-DNA position 1339, G replaced by C.
Protein change: p.Glu447Gln; replaces glutamic acid 447 with glutamine.
Molecular consequence: missense variant.
Genome position (GRCh38, 1-based): chr17:81,536,940, G>C. VCF-style: chr17-81536940-G-C. GRCh37 (hg19) VCF-style: chr17-79503966-G-C.
Other names: c.1411G>C, p.Glu471Gln (NM_001077182.3); short protein forms E447Q, E471Q.
Identifiers: ClinVar variation 2070075 (VCV002070075.4), dbSNP rs956779574, ClinGen allele CA401478633.

ClinVar aggregate classification (germline): Uncertain significance (1 of 4 stars; one submission).

Submission:

Labcorp Genetics (formerly Invitae), Labcorp
Classification: Uncertain significance. Last evaluated: 2022-04-01. Review status: criteria provided, single submitter. Criteria: Invitae Variant Classification Sherloc (09022015). Collection method: clinical testing. Allele origin: germline.
Comment: In summary, the available evidence is currently insufficient to determine the role of this variant in disease. Therefore, it has been classified as a Variant of Uncertain Significance. Algorithms developed to predict the effect of missense changes on protein structure and function are either unavailable or do not agree on the potential impact of this missense change (SIFT: "Deleterious"; PolyPhen-2: "Probably Damaging"; Align-GVGD: "Class C0"). This variant has not been reported in the literature in individuals affected with FSCN2-related conditions. This variant is not present in population databases (gnomAD no frequency). This sequence change replaces glutamic acid, which is acidic and polar, with glutamine, which is neutral and polar, at codon 471 of the FSCN2 protein (p.Glu471Gln).